The following is an entry in ClinVar:

NM_024757.5(EHMT1):c.1922_1924dup (p.Thr641dup)

Gene: EHMT1 (euchromatic histone lysine methyltransferase 1; plus strand). Cytogenetic location: 9q34.3.
Variant type: Duplication.
Coding change: c.1922_1924dup on transcript NM_024757.5 (MANE Select); coding-DNA positions 1922 to 1924, 3 bases duplicated (CGA; older notation c.1922_1924dupCGA).
Protein change: p.Thr641dup; duplicates threonine 641.
Molecular consequence: inframe insertion.
Genome position (GRCh38, 1-based): chr9:137,776,748-137,776,750, CGA duplicated; duplicating any 3 consecutive bases within chr9:137,776,746-137,776,750 gives the same sequence; the c. name uses the placement nearest the transcript's 3' end. VCF-style (leftmost placement, unchanged base first): chr9-137776745-T-TGAC. GRCh37 (hg19) VCF-style: chr9-140671197-T-TGAC.
Other names: c.1922_1924dup, p.Thr641dup (NM_001145527.2); c.1829_1831dup, p.Thr610dup (NM_001354259.2); c.1901_1903dup, p.Thr634dup (NM_001354263.2).
Identifiers: ClinVar variation 1021198 (VCV001021198.9), dbSNP rs1950992189, ClinGen allele CA1884666503.

ClinVar aggregate classification (germline): Uncertain significance (1 of 4 stars; one submission).

Conditions:
Kleefstra syndrome 1 (KLEFS1). Identifiers: Orphanet 261494, MedGen C0795833, MONDO:0027407, OMIM 610253.

Submission:

Labcorp Genetics (formerly Invitae), Labcorp
Classification: Uncertain significance for Kleefstra syndrome 1. Last evaluated: 2020-09-11. Review status: criteria provided, single submitter. Criteria: Invitae Variant Classification Sherloc (09022015). Collection method: clinical testing. Allele origin: germline.
Comment: In summary, the available evidence is currently insufficient to determine the role of this variant in disease. Therefore, it has been classified as a Variant of Uncertain Significance. Experimental studies and prediction algorithms are not available or were not evaluated, and the functional significance of this variant is currently unknown. This variant has been observed in individual(s) with clinical features of Kleefstra syndrome (Invitae). This variant is not present in population databases (ExAC no frequency). This variant, c.1922_1924dup, results in the insertion of 1 amino acid(s) to the EHMT1 protein (p.Thr641dup), but otherwise preserves the integrity of the reading frame.